The following is an entry in ClinVar:

NM_139057.4(ADAMTS17):c.191G>T (p.Arg64Leu)

Gene: ADAMTS17 (ADAM metallopeptidase with thrombospondin type 1 motif 17; minus strand). Cytogenetic location: 15q26.3.
Variant type: single nucleotide variant.
Coding change: c.191G>T on transcript NM_139057.4 (MANE Select); coding-DNA position 191, G replaced by T.
Protein change: p.Arg64Leu; replaces arginine 64 with leucine.
Molecular consequence: missense variant.
Genome position (GRCh38, 1-based): chr15:100,341,298, C>A on the plus strand (G>T on the coding strand, the complement: ADAMTS17 is on the minus strand). VCF-style: chr15-100341298-C-A. GRCh37 (hg19) VCF-style: chr15-100881503-C-A.
Other names: short protein forms R64L.
Identifiers: ClinVar variation 1487193 (VCV001487193.6), dbSNP rs1274498477, ClinGen allele CA394525482.

ClinVar aggregate classification (germline): Uncertain significance (1 of 4 stars; one submission).

Allele frequency attached by ClinVar (database versions not stated): gnomAD exomes below 0.00001.
gnomAD v4.1: 1 of 1,084,596 alleles (0.000092%); highest among the groups gnomAD compares: Non-Finnish European, 0.00011%; no homozygotes.

Submission:

Labcorp Genetics (formerly Invitae), Labcorp
Classification: Uncertain significance. Last evaluated: 2022-11-22. Review status: criteria provided, single submitter. Criteria: Invitae Variant Classification Sherloc (09022015). Collection method: clinical testing. Allele origin: germline.
Comment: In summary, the available evidence is currently insufficient to determine the role of this variant in disease. Therefore, it has been classified as a Variant of Uncertain Significance. Algorithms developed to predict the effect of missense changes on protein structure and function are either unavailable or do not agree on the potential impact of this missense change (SIFT: "Not Available"; PolyPhen-2: "Benign"; Align-GVGD: "Not Available"). ClinVar contains an entry for this variant (Variation ID: 1487193). This variant has not been reported in the literature in individuals affected with ADAMTS17-related conditions. The frequency data for this variant in the population databases is considered unreliable, as metrics indicate insufficient coverage at this position in the gnomAD database. This sequence change replaces arginine with leucine at codon 64 of the ADAMTS17 protein (p.Arg64Leu). The arginine residue is moderately conserved and there is a moderate physicochemical difference between arginine and leucine.